The following is an entry in ClinVar:

ClinVar aggregate classification (germline): Uncertain significance. Review status: criteria provided, multiple submitters, no conflicts (2 of 4 stars). 2 submissions from 2 submitters: Uncertain significance (2). Last evaluated 2026-06-22.

Conditions:
Retinitis pigmentosa 71 (RP71). Identifiers: Orphanet 791, MedGen C4225342, MONDO:0014618, OMIM 616394.
Short-rib thoracic dysplasia 10 with or without polydactyly (SRTD10). Identifiers: Orphanet 474, MedGen C3810175, MONDO:0014284, OMIM 615630.
IFT172-related disorder. Also called: IFT172-related condition; IFT172-related disorders.

Allele frequency attached by ClinVar (database versions not stated): gnomAD exomes below 0.00001 and 0.00001; gnomAD 0.00001; TOPMed 0.00001; ExAC 0.00002.
gnomAD v4.1: 6 of 1,614,032 alleles (0.00037%); highest among the groups gnomAD compares: East Asian, 0.0022%; no homozygotes.

Submissions (2):

PreventionGenetics, part of Exact Sciences
Classification: Uncertain significance for IFT172-related condition. Last evaluated: 2026-06-22. Review status: criteria provided, single submitter. Criteria: ACMG Guidelines, 2015. Collection method: clinical testing. Allele origin: germline.
Comment: The IFT172 c.159C>A variant is predicted to result in the amino acid substitution p.Phe53Leu. To our knowledge, this variant has not been reported in the literature. This variant is reported in 0.0018% of alleles in individuals of European (Non-Finnish) descent in gnomAD. At this time, the clinical significance of this variant is uncertain due to the absence of conclusive functional and genetic evidence.

Labcorp Genetics (formerly Invitae), Labcorp
Classification: Uncertain significance for Retinitis pigmentosa 71; Short-rib thoracic dysplasia 10 with or without polydactyly. Last evaluated: 2021-08-27. Review status: criteria provided, single submitter. Criteria: Invitae Variant Classification Sherloc (09022015). Collection method: clinical testing. Allele origin: germline.
Comment: In summary, the available evidence is currently insufficient to determine the role of this variant in disease. Therefore, it has been classified as a Variant of Uncertain Significance. Algorithms developed to predict the effect of missense changes on protein structure and function are either unavailable or do not agree on the potential impact of this missense change (SIFT: "Deleterious"; PolyPhen-2: "Possibly Damaging"; Align-GVGD: "Class C0"). This variant has not been reported in the literature in individuals affected with IFT172-related conditions. This variant is present in population databases (rs768058682, ExAC 0.003%). This sequence change replaces phenylalanine with leucine at codon 53 of the IFT172 protein (p.Phe53Leu). The phenylalanine residue is highly conserved and there is a small physicochemical difference between phenylalanine and leucine.

NM_015662.3(IFT172):c.159C>A (p.Phe53Leu)

Gene: IFT172 (intraflagellar transport 172; minus strand). Cytogenetic location: 2p23.3.
Variant type: single nucleotide variant.
Coding change: c.159C>A on transcript NM_015662.3 (MANE Select); coding-DNA position 159, C replaced by A.
Protein change: p.Phe53Leu; replaces phenylalanine 53 with leucine.
Molecular consequence: missense variant.
Genome position (GRCh38, 1-based): chr2:27,485,384, G>T on the plus strand (C>A on the coding strand, the complement: IFT172 is on the minus strand). VCF-style: chr2-27485384-G-T. GRCh37 (hg19) VCF-style: chr2-27708251-G-T.
Other names: c.159C>A (NM_015662.2); short protein forms F53L.
Identifiers: ClinVar variation 1515768 (VCV001515768.7), dbSNP rs768058682, ClinGen allele CA1581110.
Genomic context (GRCh38, chr2:27,485,384, plus strand): 5'-TAGGTTAAATAAGGTACACATGAATACACTGTTTACCTTCATGTCAGCTGGTTTGGTGGA[G>T]AATTTATCTCTCCGTTCTCCATGTTCATCATACAGCAAGACCACTCGGTCCACTGTGCAG-3'
Protein context (NP_056477.1, residues 43-63): YDEHGERRDK[Phe53Leu]STKPADMKYG